The following is an entry in ClinVar:

ClinVar aggregate classification (germline): Uncertain significance (1 of 4 stars; one submission).

Conditions:
Hypertrophic cardiomyopathy. Also called: HYPERTROPHIC MYOCARDIOPATHY. Identifiers: Orphanet 217569, MedGen C0007194, MeSH D002312, MONDO:0005045, HP:0001639.

Submission:

Labcorp Genetics (formerly Invitae), Labcorp
Classification: Uncertain significance for Hypertrophic cardiomyopathy. Last evaluated: 2019-11-29. Review status: criteria provided, single submitter. Criteria: Invitae Variant Classification Sherloc (09022015). Collection method: clinical testing. Allele origin: germline.
Comment: This variant results in a copy number gain of the genomic region encompassing the full coding sequence of the TNNI3 gene. The boundaries of this event are unknown as they extend beyond the assayed region for this gene and therefore may encompass additional genes. As the precise location of this event is unknown, it may be in tandem or it may be located elsewhere in the genome. This variant has not been reported in the literature in individuals with TNNI3-related conditions. Experimental studies and prediction algorithms are not available or were not evaluated, and the functional significance of this variant is currently unknown. In summary, the available evidence is currently insufficient to determine the role of this variant in disease. Therefore, it has been classified as a Variant of Uncertain Significance.

NC_000019.10:g.(?_55151824)_(55157641_?)dup

Gene: TNNI3 (troponin I3, cardiac type; minus strand). Cytogenetic location: 19q13.42.
Variant type: Duplication.
Identifiers: ClinVar variation 832416 (VCV000832416.1).